The following is an entry in ClinVar:

ClinVar aggregate classification (germline): Likely benign (1 of 4 stars; one submission).

Conditions:
Paroxysmal nonkinesigenic dyskinesia 1 (PNKD1). Also called: Familial Paroxysmal Nonkinesigenic Dyskinesia; Nonkinesigenic choreoathetosis; Familial paroxysmal choreoathetosis; MOUNT-REBACK SYNDROME; PAROXYSMAL DYSTONIC CHOREOATHETOSIS; PxMD-PNKD. Identifiers: Orphanet 98810, MedGen C4551506, MONDO:0700089, OMIM 118800, MONDO:0007326.

Allele frequency attached by ClinVar (database versions not stated): 1000 Genomes Project 30x 0.00016; TOPMed 0.00001.
gnomAD v4.1: 22 of 1,610,454 alleles (0.0014%); highest among the groups gnomAD compares: East Asian, 0.049%; no homozygotes.

Submission:

Illumina Laboratory Services, Illumina
Classification: Likely benign for Paroxysmal nonkinesigenic dyskinesia 1. Last evaluated: 2018-01-12. Review status: criteria provided, single submitter. Criteria: ICSL Variant Classification Criteria 13 December 2019. Collection method: clinical testing. Allele origin: germline.
Comment: This variant was observed in the ICSL laboratory as part of a predisposition screen in an ostensibly healthy population. It had not been previously curated by ICSL or reported in the Human Gene Mutation Database (HGMD: prior to June 1st, 2018), and was therefore a candidate for classification through an automated scoring system. Utilizing variant allele frequency, disease prevalence and penetrance estimates, and inheritance mode, an automated score was calculated to assess if this variant is too frequent to cause the disease. Based on the score and internal cut-off values, a variant classified as likely benign is not then subjected to further curation. The score for this variant resulted in a classification of likely benign for this disease.

NM_015488.5(PNKD):c.781+12C>G

Genes: CATIP-AS2 (CATIP antisense RNA 2; minus strand), PNKD (PNKD metallo-beta-lactamase domain containing; plus strand). Cytogenetic location: 2q35.
Variant type: single nucleotide variant.
Coding change: c.781+12C>G on transcript NM_015488.5 (MANE Select); 12 bases into the intron after coding-DNA position 781, C replaced by G.
Molecular consequence: intron variant.
Genome position (GRCh38, 1-based): chr2:218,342,156, C>G. VCF-style: chr2-218342156-C-G. GRCh37 (hg19) VCF-style: chr2-219206879-C-G.
Other names: c.709+12C>G (NM_022572.4).
Identifiers: ClinVar variation 334325 (VCV000334325.5), dbSNP rs370963150, ClinGen allele CA2104082.